The following is an entry in ClinVar:

NM_000321.3(RB1):c.757C>G (p.Pro253Ala)

Gene: RB1 (RB transcriptional corepressor 1; plus strand). Cytogenetic location: 13q14.2.
Variant type: single nucleotide variant.
Coding change: c.757C>G on transcript NM_000321.3 (MANE Select); coding-DNA position 757, C replaced by G.
Protein change: p.Pro253Ala; replaces proline 253 with alanine.
Molecular consequence: missense variant.
Genome position (GRCh38, 1-based): chr13:48,362,853, C>G. VCF-style: chr13-48362853-C-G. GRCh37 (hg19) VCF-style: chr13-48936989-C-G.
Other names: c.757C>G, p.Pro253Ala (NM_001407165.1, NM_001407166.1); short protein forms P253A.
Identifiers: ClinVar variation 2116554 (VCV002116554.5), dbSNP rs1952655473, ClinGen allele CA388159338.

ClinVar aggregate classification (germline): Uncertain significance. Review status: criteria provided, multiple submitters, no conflicts (2 of 4 stars). 2 submissions from 2 submitters: Uncertain significance (2). Last evaluated 2025-12-15.

Conditions:
Retinoblastoma (RB1). Also called: RETINOBLASTOMA, SOMATIC. Identifiers: Orphanet 790, MedGen C0035335, MeSH D012175, MONDO:0008380, OMIM 180200, HP:0009919. Disease mechanism: loss of function. Inheritance: Both sporadic and heritable forms are tested..
Hereditary cancer-predisposing syndrome. Also called: Neoplastic Syndromes, Hereditary; Tumor predisposition; Hereditary Cancer Syndrome; Hereditary neoplastic syndrome. Identifiers: Orphanet 140162, MedGen C0027672, MeSH D009386, MONDO:0015356.

Allele frequency attached by ClinVar (database versions not stated): gnomAD exomes below 0.00001.
gnomAD v4.1: 1 of 1,613,814 alleles (0.000062%); highest among the groups gnomAD compares: Non-Finnish European, 0.000085%; no homozygotes.

Submissions (2):

Ambry Genetics
Classification: Uncertain significance for Hereditary cancer-predisposing syndrome. Last evaluated: 2025-12-15. Review status: criteria provided, single submitter. Criteria: Ambry Variant Classification Scheme 2023. Collection method: clinical testing. Allele origin: germline.
Comment: The p.P253A variant (also known as c.757C>G), located in coding exon 8 of the RB1 gene, results from a C to G substitution at nucleotide position 757. The proline at codon 253 is replaced by alanine, an amino acid with highly similar properties. This amino acid position is conserved. In addition, this alteration is predicted to be tolerated by in silico analysis. Based on the available evidence, the clinical significance of this variant remains unclear.

Labcorp Genetics (formerly Invitae), Labcorp
Classification: Uncertain significance for Retinoblastoma. Last evaluated: 2024-10-18. Review status: criteria provided, single submitter. Criteria: Invitae Variant Classification Sherloc (09022015). Collection method: clinical testing. Allele origin: germline.
Comment: This sequence change replaces proline, which is neutral and non-polar, with alanine, which is neutral and non-polar, at codon 253 of the RB1 protein (p.Pro253Ala). This variant is not present in population databases (gnomAD no frequency). This variant has not been reported in the literature in individuals affected with RB1-related conditions. ClinVar contains an entry for this variant (Variation ID: 2116554). Invitae Evidence Modeling of protein sequence and biophysical properties (such as structural, functional, and spatial information, amino acid conservation, physicochemical variation, residue mobility, and thermodynamic stability) indicates that this missense variant is not expected to disrupt RB1 protein function with a negative predictive value of 80%. In summary, the available evidence is currently insufficient to determine the role of this variant in disease. Therefore, it has been classified as a Variant of Uncertain Significance.